The following is an entry in ClinVar:

ClinVar aggregate classification (germline): Uncertain significance (1 of 4 stars; one submission).

Conditions:
Primary ciliary dyskinesia. Also called: Ciliary dyskinesia. Identifiers: Orphanet 244, MedGen C0008780, MONDO:0016575, HP:0012265.

Allele frequency attached by ClinVar (database versions not stated): TOPMed 0.00001; ExAC 0.00002.
gnomAD v4.1: 23 of 1,614,062 alleles (0.0014%); highest among the groups gnomAD compares: Admixed American, 0.0033%; no homozygotes.

Submission:

Labcorp Genetics (formerly Invitae), Labcorp
Classification: Uncertain significance for Primary ciliary dyskinesia. Last evaluated: 2021-08-31. Review status: criteria provided, single submitter. Criteria: Invitae Variant Classification Sherloc (09022015). Collection method: clinical testing. Allele origin: germline.
Comment: This sequence change replaces arginine with glutamine at codon 851 of the CCDC40 protein (p.Arg851Gln). The arginine residue is moderately conserved and there is a small physicochemical difference between arginine and glutamine. This variant is present in population databases (rs745599843, ExAC 0.006%). This variant has not been reported in the literature in individuals affected with CCDC40-related conditions. Algorithms developed to predict the effect of missense changes on protein structure and function are either unavailable or do not agree on the potential impact of this missense change (SIFT: "Deleterious"; PolyPhen-2: "Possibly Damaging"; Align-GVGD: "Class C0"). In summary, the available evidence is currently insufficient to determine the role of this variant in disease. Therefore, it has been classified as a Variant of Uncertain Significance.

NM_017950.4(CCDC40):c.2552G>A (p.Arg851Gln)

Gene: CCDC40 (coiled-coil domain 40 molecular ruler complex subunit; plus strand). Cytogenetic location: 17q25.3.
Variant type: single nucleotide variant.
Coding change: c.2552G>A on transcript NM_017950.4 (MANE Select); coding-DNA position 2552, G replaced by A.
Protein change: p.Arg851Gln; replaces arginine 851 with glutamine.
Molecular consequence: missense variant.
Genome position (GRCh38, 1-based): chr17:80,087,709, G>A. VCF-style: chr17-80087709-G-A. GRCh37 (hg19) VCF-style: chr17-78061508-G-A.
Other names: c.2552G>A, p.Arg851Gln (NM_001243342.2); short protein forms R851Q.
Identifiers: ClinVar variation 652660 (VCV000652660.8), dbSNP rs745599843, ClinGen allele CA8814235.